The following is an entry in ClinVar:

NM_001903.5(CTNNA1):c.2299-4T>C

Gene: CTNNA1 (catenin alpha 1; plus strand). Cytogenetic location: 5q31.2.
Variant type: single nucleotide variant.
Coding change: c.2299-4T>C on transcript NM_001903.5 (MANE Select); 4 bases into the intron before coding-DNA position 2299, T replaced by C.
Molecular consequence: intron variant.
Genome position (GRCh38, 1-based): chr5:138,932,574, T>C. VCF-style: chr5-138932574-T-C. GRCh37 (hg19) VCF-style: chr5-138268263-T-C.
Other names: c.1189-4T>C (NM_001290312.1, NM_001323994.1, NM_001323988.1 and 16 more transcripts); c.1189-1228T>C (NM_001324001.1); c.850-4T>C (NM_001324006.1, NM_001324008.1, NM_001324010.1 and 2 more transcripts); c.1096-4T>C (NM_001324011.1); c.946-4T>C (NM_001324012.1, NM_001324013.1); c.2299-4T>C (NM_001323982.2, NM_001323984.2, NM_001290307.3 and 2 more transcripts); c.2206-4T>C (NM_001323986.2); c.1930-4T>C (NM_001290310.3); and 1 more.
Identifiers: ClinVar variation 700747 (VCV000700747.15), dbSNP rs200688805, ClinGen allele CA3432165.

ClinVar aggregate classification (germline): Likely benign. Review status: criteria provided, multiple submitters, no conflicts (2 of 4 stars). 3 submissions from 3 submitters: Likely benign (3). Last evaluated 2025-07-18.

Conditions:
Hereditary diffuse gastric adenocarcinoma (HDGC). Also called: DIFFUSE GASTRIC AND LOBULAR BREAST CANCER SYNDROME. Identifiers: Orphanet 26106, MedGen C1708349, MONDO:0007648, OMIM 137215.
Hereditary cancer-predisposing syndrome. Also called: Tumor predisposition; Hereditary neoplastic syndrome; Hereditary Cancer Syndrome; Neoplastic Syndromes, Hereditary. Identifiers: Orphanet 140162, MedGen C0027672, MeSH D009386, MONDO:0015356.

Allele frequency attached by ClinVar (database versions not stated): gnomAD exomes below 0.00001; TOPMed below 0.00001; gnomAD 0.00001; ExAC 0.00002.
gnomAD v4.1: 3 of 1,613,928 alleles (0.00019%); no homozygotes.

Submissions (3):

Labcorp Genetics (formerly Invitae), Labcorp
Classification: Likely benign. Last evaluated: 2025-07-18. Review status: criteria provided, single submitter. Criteria: Invitae Variant Classification Sherloc (09022015). Collection method: clinical testing. Allele origin: germline.

Ambry Genetics
Classification: Likely benign for Hereditary cancer-predisposing syndrome. Last evaluated: 2024-11-08. Review status: criteria provided, single submitter. Criteria: Ambry Variant Classification Scheme 2023. Collection method: clinical testing. Allele origin: germline.

Myriad Genetics, Inc.
Classification: Likely benign for Hereditary diffuse gastric adenocarcinoma. Last evaluated: 2024-10-15. Review status: criteria provided, single submitter. Criteria: Myriad Autosomal Dominant, Autosomal Recessive and X-Linked Classification Criteria (2023). Collection method: clinical testing. Allele origin: unknown.
Comment: This variant is considered likely benign. This variant is intronic and is not expected to impact mRNA splicing.